The following is an entry in ClinVar:

ClinVar aggregate classification (germline): Uncertain significance (1 of 4 stars; one submission).

Conditions:
Intellectual developmental disorder, autosomal dominant 6, with or without seizures. Also called: Intellectual disability, autosomal dominant 6; GRIN2B-related developmental delay, intellectual disability and autism spectrum disorder. Identifiers: Orphanet 589547, MedGen C3151411, MONDO:0013509, OMIM 613970.
Developmental and epileptic encephalopathy, 27 (DEE27). Also called: Epileptic encephalopathy, early infantile, 27; GRIN2B-Related Neurodevelopmental Disorder. Identifiers: Orphanet 3451, MedGen C4015316, MONDO:0014505, OMIM 616139.

Allele frequency attached by ClinVar (database versions not stated): gnomAD exomes below 0.00001; ExAC 0.00001.
gnomAD v4.1: 1 of 1,614,180 alleles (0.000062%); highest among the groups gnomAD compares: Admixed American, 0.0017%; no homozygotes.

Submission:

Labcorp Genetics (formerly Invitae), Labcorp
Classification: Uncertain significance for Developmental and epileptic encephalopathy, 27; Intellectual developmental disorder, autosomal dominant 6, with or without seizures. Last evaluated: 2022-04-02. Review status: criteria provided, single submitter. Criteria: Invitae Variant Classification Sherloc (09022015). Collection method: clinical testing. Allele origin: germline.
Comment: This variant is present in population databases (rs758533546, gnomAD 0.003%). This sequence change replaces glutamine, which is neutral and polar, with histidine, which is basic and polar, at codon 982 of the GRIN2B protein (p.Gln982His). This variant has not been reported in the literature in individuals affected with GRIN2B-related conditions. Advanced modeling of protein sequence and biophysical properties (such as structural, functional, and spatial information, amino acid conservation, physicochemical variation, residue mobility, and thermodynamic stability) performed at Invitae indicates that this missense variant is not expected to disrupt GRIN2B protein function. In summary, the available evidence is currently insufficient to determine the role of this variant in disease. Therefore, it has been classified as a Variant of Uncertain Significance.

NM_000834.5(GRIN2B):c.2946A>C (p.Gln982His)

Gene: GRIN2B (glutamate ionotropic receptor NMDA type subunit 2B; minus strand). Cytogenetic location: 12p13.1.
Variant type: single nucleotide variant.
Coding change: c.2946A>C on transcript NM_000834.5 (MANE Select); coding-DNA position 2946, A replaced by C.
Protein change: p.Gln982His; replaces glutamine 982 with histidine.
Molecular consequence: missense variant.
Genome position (GRCh38, 1-based): chr12:13,564,292, T>G on the plus strand (A>C on the coding strand, the complement: GRIN2B is on the minus strand). VCF-style: chr12-13564292-T-G. GRCh37 (hg19) VCF-style: chr12-13717226-T-G.
Other names: short protein forms Q982H.
Identifiers: ClinVar variation 1498548 (VCV001498548.8), dbSNP rs758533546, ClinGen allele CA6460965.
Genomic context (GRCh38, chr12:13,564,292, plus strand): 5'-CCCATCGATGGAGCTGGCACTGCCAATACTATGGGGCCGGTGGTGATGGTGGTAGTGATC[T>G]TGGTACACGTTGCTGTCCTTCAGCTGCAGGTTCCCGAACGTTCTCTCTACCTCACTGATG-3'
Protein context (NP_000825.2, residues 972-992): NLQLKDSNVY[Gln982His]DHYHHHHRPH